The following is an entry in ClinVar:

NM_001042492.3(NF1):c.7162T>C (p.Phe2388Leu)

Gene: NF1 (neurofibromin 1; plus strand). Cytogenetic location: 17q11.2.
Variant type: single nucleotide variant.
Coding change: c.7162T>C on transcript NM_001042492.3 (MANE Select); coding-DNA position 7162, T replaced by C.
Protein change: p.Phe2388Leu; replaces phenylalanine 2388 with leucine.
Molecular consequence: missense variant.
Genome position (GRCh38, 1-based): chr17:31,343,108, T>C. VCF-style: chr17-31343108-T-C. GRCh37 (hg19) VCF-style: chr17-29670126-T-C.
Other names: c.7099T>C, p.Phe2367Leu (NM_000267.4); short protein forms F2367L, F2388L.
Identifiers: ClinVar variation 1021192 (VCV001021192.5), dbSNP rs1425642121, ClinGen allele CA399015730.

ClinVar aggregate classification (germline): Uncertain significance (1 of 4 stars; one submission).

Conditions:
Neurofibromatosis, type 1 (NF1). Also called: Peripheral type neurofibromatosis; Neurofibromatosis, type I; VON RECKLINGHAUSEN DISEASE; NEUROFIBROMATOSIS, TYPE I, SOMATIC. Identifiers: Orphanet 636, MedGen C0027831, MONDO:0018975, OMIM 162200. Disease mechanism: loss of function.

Submission:

Labcorp Genetics (formerly Invitae), Labcorp
Classification: Uncertain significance for Neurofibromatosis, type 1. Last evaluated: 2020-08-01. Review status: criteria provided, single submitter. Criteria: Invitae Variant Classification Sherloc (09022015). Collection method: clinical testing. Allele origin: germline.
Comment: This variant has not been reported in the literature in individuals with NF1-related conditions. In summary, the available evidence is currently insufficient to determine the role of this variant in disease. Therefore, it has been classified as a Variant of Uncertain Significance. Algorithms developed to predict the effect of missense changes on protein structure and function are either unavailable or do not agree on the potential impact of this missense change (SIFT: "Tolerated"; PolyPhen-2: "Possibly Damaging"; Align-GVGD: "Class C0"). This variant is not present in population databases (ExAC no frequency). This sequence change replaces phenylalanine with leucine at codon 2367 of the NF1 protein (p.Phe2367Leu). The phenylalanine residue is moderately conserved and there is a small physicochemical difference between phenylalanine and leucine.